The following is an entry in ClinVar:

ClinVar aggregate classification (germline): Likely pathogenic (1 of 4 stars; one submission).

Conditions:
Usher syndrome type 2A. Also called: RETINAL DISEASE IN USHER SYNDROME TYPE IIA, MODIFIER OF; USHER SYNDROME, TYPE IIA. Identifiers: Orphanet 231178, Orphanet 886, MedGen C1848634, MONDO:0010169, OMIM 276901.

Submission:

Myriad Genetics, Inc.
Classification: Likely pathogenic for Usher syndrome type 2A. Last evaluated: 2022-03-27. Review status: criteria provided, single submitter. Criteria: Myriad Women's Health Autosomal Recessive and X-Linked Classification Criteria (2021). Collection method: clinical testing. Allele origin: unknown.
Comment: NM_206933.2(USH2A):c.1994delA(K665Rfs*91) is expected to be pathogenic in the context of USH2A-related disorders. This variant is predicted to lead to an abnormal or absent protein product due to the creation of a premature termination codon in USH2A, a gene where loss-of-function variants are known to be pathogenic. Please note: this variant was assessed in the context of healthy population screening.

NM_206933.4(USH2A):c.1994del (p.Lys665fs)

Gene: USH2A (usherin; minus strand). Cytogenetic location: 1q41.
Variant type: Deletion.
Coding change: c.1994del on transcript NM_206933.4 (MANE Select); coding-DNA position 1994, one base deleted (A; older notation c.1994delA).
Protein change: p.Lys665fs; shifts the reading frame from lysine 665.
Molecular consequence: frameshift variant.
Genome position (GRCh38, 1-based): chr1:216,251,076, T deleted on the plus strand (A on the coding strand, the reverse complement: USH2A is on the minus strand); the first of 2 consecutive T bases (chr1:216,251,076-216,251,077); deleting either gives the same sequence. VCF-style (leftmost placement, unchanged base first): chr1-216251075-CT-C. GRCh37 (hg19) VCF-style: chr1-216424417-CT-C.
Other names: c.1994del, p.Lys665fs (NM_007123.6); short protein forms K665fs.
Identifiers: ClinVar variation 1725481 (VCV001725481.2), dbSNP rs2528172067, ClinGen allele CA2580062169.